The following is an entry in ClinVar:

NM_001369.3(DNAH5):c.13366delinsATAAGAGACAG (p.Phe4456fs)

Gene: DNAH5 (dynein axonemal heavy chain 5; minus strand). Cytogenetic location: 5p15.2.
Variant type: Indel.
Coding change: c.13366delinsATAAGAGACAG on transcript NM_001369.3 (MANE Select); coding-DNA position 13366, T replaced by ATAAGAGACAG.
Protein change: p.Phe4456fs; shifts the reading frame from phenylalanine 4456.
Molecular consequence: frameshift variant.
Genome position (GRCh38, 1-based): chr5:13,701,409, A replaced by CTGTCTCTTAT on the plus strand (T replaced by ATAAGAGACAG on the coding strand, the reverse complement: DNAH5 is on the minus strand). VCF-style: chr5-13701409-A-CTGTCTCTTAT. GRCh37 (hg19) VCF-style: chr5-13701518-A-CTGTCTCTTAT.
Other names: short protein forms F4456fs.
Identifiers: ClinVar variation 5011134 (VCV005011134.1).

ClinVar aggregate classification (germline): Pathogenic (1 of 4 stars; one submission).

Conditions:
Primary ciliary dyskinesia 3. Identifiers: Orphanet 244, MedGen C1837618, MONDO:0012085, OMIM 608644.

Submission:

Myriad Genetics, Inc.
Classification: Pathogenic for Primary ciliary dyskinesia 3. Last evaluated: 2024-05-14. Review status: criteria provided, single submitter. Criteria: Myriad Autosomal Dominant, Autosomal Recessive and X-Linked Classification Criteria (2023). Collection method: clinical testing. Allele origin: unknown.
Comment: NM_001369.2(DNAH5):c.13366del1ins11(F4456Ifs*8) is expected to be pathogenic in the context of primary ciliary dyskinesia, DNAH5-related. This variant is predicted to lead to an abnormal or absent protein product due to the creation of a premature termination codon in DNAH5, a gene where loss-of-function variants are known to be pathogenic. Please note: this variant was assessed in the context of healthy population screening.